The following is an entry in ClinVar:

NM_003482.4(KMT2D):c.5782+3A>C

Gene: KMT2D (lysine methyltransferase 2D; minus strand). Cytogenetic location: 12q13.12.
Variant type: single nucleotide variant.
Coding change: c.5782+3A>C on transcript NM_003482.4 (MANE Select); 3 bases into the intron after coding-DNA position 5782, A replaced by C.
Molecular consequence: intron variant.
Genome position (GRCh38, 1-based): chr12:49,042,738, T>G on the plus strand (A>C on the coding strand, the complement: KMT2D is on the minus strand). VCF-style: chr12-49042738-T-G. GRCh37 (hg19) VCF-style: chr12-49436521-T-G.
Identifiers: ClinVar variation 4700532 (VCV004700532.1).
Genomic context (GRCh38, chr12:49,042,738, plus strand): 5'-ACTGGCCCATCCTGGAGGCAAGCTTGGTTATGTCAGTCTTCAGACCACTCCCACCTGTAT[T>G]ACCTTGAAGAAAGGGCCTCTGCAGTGGCGTACGGCTGCCTTCTAGGCCAGGGGTTCCACA-3'

ClinVar aggregate classification (germline): Uncertain significance (1 of 4 stars; one submission).

Conditions:
Kabuki syndrome. Also called: NIIKAWA-KUROKI SYNDROME; Kabuki make-up syndrome. Identifiers: Orphanet 2322, MedGen C0796004, MONDO:0016512.

gnomAD v4.1: 1 of 1,612,792 alleles (0.000062%); highest among the groups gnomAD compares: African/African-American, 0.0013%; no homozygotes.

Submission:

Labcorp Genetics (formerly Invitae), Labcorp
Classification: Uncertain significance for Kabuki syndrome. Last evaluated: 2025-10-26. Review status: criteria provided, single submitter. Criteria: Invitae Variant Classification Sherloc (09022015). Collection method: clinical testing. Allele origin: germline.
Comment: This sequence change falls in intron 26 of the KMT2D gene. It does not directly change the encoded amino acid sequence of the KMT2D protein. It affects a nucleotide within the consensus splice site. This variant is not present in population databases (gnomAD no frequency). This variant has not been reported in the literature in individuals affected with KMT2D-related conditions. Variants that disrupt the consensus splice site are a relatively common cause of aberrant splicing (PMID: 17576681, 9536098). Algorithms developed to predict the effect of sequence changes on RNA splicing suggest that this variant may disrupt the consensus splice site. In summary, the available evidence is currently insufficient to determine the role of this variant in disease. Therefore, it has been classified as a Variant of Uncertain Significance.

Literature cited by the submitters: PubMed 17576681; PubMed 9536098.